The following is an entry in ClinVar:

ClinVar aggregate classification (germline): Uncertain significance (1 of 4 stars; one submission).

Conditions:
Autosomal recessive limb-girdle muscular dystrophy type R18 (LGMDR18). Also called: Limb-girdle muscular dystrophy, type 2S; MUSCULAR DYSTROPHY, LIMB-GIRDLE, AUTOSOMAL RECESSIVE 18; Autosomal recessive limb-girdle muscular dystrophy type 2S. Identifiers: Orphanet 369840, MedGen C4517996, MONDO:0014144, OMIM 615356.

Allele frequency attached by ClinVar (database versions not stated): gnomAD 0.00001; gnomAD exomes 0.00001; TOPMed 0.00001; ExAC 0.00002.
gnomAD v4.1: 5 of 1,613,140 alleles (0.00031%); highest among the groups gnomAD compares: Non-Finnish European, 0.00042%; no homozygotes.

Submission:

Labcorp Genetics (formerly Invitae), Labcorp
Classification: Uncertain significance for Autosomal recessive limb-girdle muscular dystrophy type R18. Last evaluated: 2022-02-24. Review status: criteria provided, single submitter. Criteria: Invitae Variant Classification Sherloc (09022015). Collection method: clinical testing. Allele origin: germline.
Comment: In summary, the available evidence is currently insufficient to determine the role of this variant in disease. Therefore, it has been classified as a Variant of Uncertain Significance. This variant has not been reported in the literature in individuals affected with TRAPPC11-related conditions. Algorithms developed to predict the effect of missense changes on protein structure and function (SIFT, PolyPhen-2, Align-GVGD) all suggest that this variant is likely to be tolerated. This variant is present in population databases (rs749816064, gnomAD 0.004%). This sequence change replaces phenylalanine, which is neutral and non-polar, with leucine, which is neutral and non-polar, at codon 1023 of the TRAPPC11 protein (p.Phe1023Leu).

NM_021942.6(TRAPPC11):c.3067T>C (p.Phe1023Leu)

Gene: TRAPPC11 (trafficking protein particle complex subunit 11; plus strand). Cytogenetic location: 4q35.1.
Variant type: single nucleotide variant.
Coding change: c.3067T>C on transcript NM_021942.6 (MANE Select); coding-DNA position 3067, T replaced by C.
Protein change: p.Phe1023Leu; replaces phenylalanine 1023 with leucine.
Molecular consequence: missense variant.
Genome position (GRCh38, 1-based): chr4:183,706,818, T>C. VCF-style: chr4-183706818-T-C. GRCh37 (hg19) VCF-style: chr4-184627971-T-C.
Other names: c.3067T>C, p.Phe1023Leu (NM_199053.3); short protein forms F1023L.
Identifiers: ClinVar variation 1421898 (VCV001421898.8), dbSNP rs749816064, ClinGen allele CA3152433.